The following is an entry in ClinVar:

NM_000426.4(LAMA2):c.4874C>T (p.Pro1625Leu)

Gene: LAMA2 (laminin subunit alpha 2; plus strand). Cytogenetic location: 6q22.33.
Variant type: single nucleotide variant.
Coding change: c.4874C>T on transcript NM_000426.4 (MANE Select); coding-DNA position 4874, C replaced by T.
Protein change: p.Pro1625Leu; replaces proline 1625 with leucine.
Molecular consequence: missense variant.
Genome position (GRCh38, 1-based): chr6:129,369,905, C>T. VCF-style: chr6-129369905-C-T. GRCh37 (hg19) VCF-style: chr6-129691050-C-T.
Other names: c.4874C>T, p.Pro1625Leu (NM_001079823.2); short protein forms P1625L.
Identifiers: ClinVar variation 2167228 (VCV002167228.5), dbSNP rs1777976330, ClinGen allele CA365624220.

ClinVar aggregate classification (germline): Uncertain significance. Review status: criteria provided, multiple submitters, no conflicts (2 of 4 stars). 2 submissions from 2 submitters: Uncertain significance (2). Last evaluated 2024-09-16.

Conditions:
LAMA2-related muscular dystrophy (LAMA2-RD). Also called: Laminin alpha 2-related dystrophy. Identifiers: MedGen C5679788, MONDO:0100228.
Merosin deficient congenital muscular dystrophy (MDC1A). Also called: Congenital Muscular Dystrophy Type 1A (MDC1A); Congenital merosin-deficient muscular dystrophy 1A. Identifiers: Orphanet 258, MedGen C1263858, MONDO:0011925, OMIM 607855.
Muscular dystrophy, limb-girdle, autosomal recessive 23. Identifiers: Orphanet 565837, MedGen C4748327, MONDO:0029136, OMIM 618138.

Allele frequency attached by ClinVar (database versions not stated): gnomAD 0.00001; gnomAD exomes 0.00001.
gnomAD v4.1: 4 of 1,613,900 alleles (0.00025%); highest among the groups gnomAD compares: Admixed American, 0.005%; no homozygotes.

Submissions (2):

Labcorp Genetics (formerly Invitae), Labcorp
Classification: Uncertain significance for LAMA2-related muscular dystrophy. Last evaluated: 2024-09-16. Review status: criteria provided, single submitter. Criteria: Invitae Variant Classification Sherloc (09022015). Collection method: clinical testing. Allele origin: germline.
Comment: This sequence change replaces proline, which is neutral and non-polar, with leucine, which is neutral and non-polar, at codon 1625 of the LAMA2 protein (p.Pro1625Leu). This variant is not present in population databases (gnomAD no frequency). This variant has not been reported in the literature in individuals affected with LAMA2-related conditions. ClinVar contains an entry for this variant (Variation ID: 2167228). Invitae Evidence Modeling of protein sequence and biophysical properties (such as structural, functional, and spatial information, amino acid conservation, physicochemical variation, residue mobility, and thermodynamic stability) indicates that this missense variant is not expected to disrupt LAMA2 protein function with a negative predictive value of 95%. In summary, the available evidence is currently insufficient to determine the role of this variant in disease. Therefore, it has been classified as a Variant of Uncertain Significance.

New York Genome Center
Classification: Uncertain significance for Merosin deficient congenital muscular dystrophy; Muscular dystrophy, limb-girdle, autosomal recessive 23. Last evaluated: 2022-06-10. Review status: criteria provided, single submitter. Criteria: NYGC Assertion Criteria 2020. Collection method: clinical testing. Allele origin: inherited. Observed: 1 heterozygote.